The following is an entry in ClinVar:

NM_207122.2(EXT2):c.1685G>A (p.Arg562Gln)

Gene: EXT2 (exostosin glycosyltransferase 2; plus strand). Cytogenetic location: 11p11.2.
Variant type: single nucleotide variant.
Coding change: c.1685G>A on transcript NM_207122.2 (MANE Select); coding-DNA position 1685, G replaced by A.
Protein change: p.Arg562Gln; replaces arginine 562 with glutamine.
Molecular consequence: missense variant.
Genome position (GRCh38, 1-based): chr11:44,232,375, G>A. VCF-style: chr11-44232375-G-A. GRCh37 (hg19) VCF-style: chr11-44253925-G-A.
Other names: c.1784G>A, p.Arg595Gln (NM_000401.3); c.1715G>A, p.Arg572Gln (NM_001178083.3); short protein forms R562Q, R572Q, R595Q.
Identifiers: ClinVar variation 997469 (VCV000997469.13), dbSNP rs140561784, ClinGen allele CA5955336.
Genomic context (GRCh38, chr11:44,232,375, plus strand): 5'-GAATTGGGACTTGATTGTTATTATGTGTCTGTCCTTAGGTCTGGCGGGAATTTCCTGACC[G>A]GTTGGTGGGTTACCCGGGTCGTCTGCATCTCTGGGACCATGAGATGAATAAGTGGAAGTA-3'
Protein context (NP_997005.1, residues 552-572): GYEVWREFPD[Arg562Gln]LVGYPGRLHL

ClinVar aggregate classification (germline): Conflicting classifications of pathogenicity. Review status: criteria provided, conflicting classifications (1 of 4 stars). 4 submissions from 4 submitters: Uncertain significance (3); Likely benign (1). Last evaluated 2026-02-11.

Conditions:
EXT2-related disorder. Also called: EXT2-related condition.
Exostoses, multiple, type 2 (EXT2). Also called: Hereditary Multiple Osteochondromatosis, Type II; EXOSTOSES, MULTIPLE, TYPE II. Identifiers: Orphanet 321, MedGen C1851413, MONDO:0007586, OMIM 133701.

Allele frequency attached by ClinVar (database versions not stated): gnomAD exomes 0.00008; ExAC 0.00012; ESP Exome Variant Server 0.00015; TOPMed 0.00020; 1000 Genomes Project 30x 0.00062; 1000 Genomes Project 0.00080.
gnomAD v4.1: 74 of 1,613,972 alleles (0.0046%); highest among the groups gnomAD compares: African/African-American, 0.073%; no homozygotes.

Submissions (4):

St. Jude Molecular Pathology, St. Jude Children's Research Hospital
Classification: Uncertain significance for Exostoses, multiple, type 2. Last evaluated: 2026-02-11. Review status: criteria provided, single submitter. Criteria: St. Jude Assertion Criteria 2020. Collection method: clinical testing. Allele origin: germline.
Comment: The EXT2 c.1784G>A p.(Arg595Gln) missense change has a maximum subpopulation frequency of 0.08% in gnomAD v2.1.1. The in silico tool REVEL predicts a deleterious effect on protein function, but to our knowledge this prediction has not been confirmed by functional studies. To our knowledge, this variant has not been reported in individuals with hereditary multiple exostoses. In summary, the evidence currently available is insufficient to determine the clinical significance of this variant. It has therefore been classified as of uncertain significance.

Labcorp Genetics (formerly Invitae), Labcorp
Classification: Likely benign for Exostoses, multiple, type 2. Last evaluated: 2025-05-14. Review status: criteria provided, single submitter. Criteria: Invitae Variant Classification Sherloc (09022015). Collection method: clinical testing. Allele origin: germline.

PreventionGenetics, part of Exact Sciences
Classification: Uncertain significance for EXT2-related condition. Last evaluated: 2022-08-29. Review status: criteria provided, single submitter. Criteria: ACMG Guidelines, 2015. Collection method: clinical testing. Allele origin: germline.
Comment: The EXT2 c.1685G>A variant is predicted to result in the amino acid substitution p.Arg562Gln. To our knowledge, this variant has not been reported in the literature. This variant is reported in 0.080% of alleles in individuals of African descent in gnomAD, which is likely too common for an undocumented disease-causing variant. Although we suspect that this variant may be benign, at this time, the clinical significance of this variant is uncertain due to the absence of conclusive functional and genetic evidence.

Baylor Genetics
Classification: Uncertain significance for Exostoses, multiple, type 2. Last evaluated: 2019-10-12. Review status: criteria provided, single submitter. Criteria: ACMG Guidelines, 2015. Collection method: clinical testing. Allele origin: maternal. Affected: yes. Study: CSER-TexasKidsCanSeq.
Comment: This variant was determined to be of uncertain significance according to ACMG Guidelines, 2015 [PMID:25741868].